The following is an entry in ClinVar:

NM_001283009.2(RTEL1):c.80A>G (p.Lys27Arg)

Genes: RTEL1 (regulator of telomere elongation helicase 1; plus strand), RTEL1-TNFRSF6B (RTEL1-TNFRSF6B readthrough (NMD candidate); plus strand). Cytogenetic location: 20q13.33.
Variant type: single nucleotide variant.
Coding change: c.80A>G on transcript NM_001283009.2 (MANE Select); coding-DNA position 80, A replaced by G.
Protein change: p.Lys27Arg; replaces lysine 27 with arginine.
Molecular consequence: missense variant. On other transcripts: non-coding transcript variant (1), intron variant (1).
Genome position (GRCh38, 1-based): chr20:63,659,482, A>G. VCF-style: chr20-63659482-A-G. GRCh37 (hg19) VCF-style: chr20-62290835-A-G.
Other names: c.80A>G, p.Lys27Arg (NM_016434.4, NM_032957.5); c.-568+1023A>G (NM_001283010.1); short protein forms K27R.
Identifiers: ClinVar variation 1368021 (VCV001368021.6), dbSNP rs1240428205, ClinGen allele CA409657567.

ClinVar aggregate classification (germline): Uncertain significance (1 of 4 stars; one submission).

Conditions:
Pulmonary fibrosis and/or bone marrow failure, Telomere-related, 3. Also called: PULMONARY FIBROSIS AND/OR BONE MARROW FAILURE SYNDROME, TELOMERE-RELATED, 3. Identifiers: Orphanet 2032, MedGen C4225346, MONDO:0014613, OMIM 616373.
Dyskeratosis congenita, autosomal recessive 5 (DKCB5). Identifiers: MedGen C3554656, MONDO:0014076, OMIM 615190.

Allele frequency attached by ClinVar (database versions not stated): gnomAD exomes below 0.00001.
gnomAD v4.1: 2 of 1,613,954 alleles (0.00012%); highest among the groups gnomAD compares: South Asian, 0.0011%; no homozygotes.

Submission:

Labcorp Genetics (formerly Invitae), Labcorp
Classification: Uncertain significance for Dyskeratosis congenita, autosomal recessive 5; Pulmonary fibrosis and/or bone marrow failure, Telomere-related, 3. Last evaluated: 2021-12-02. Review status: criteria provided, single submitter. Criteria: Invitae Variant Classification Sherloc (09022015). Collection method: clinical testing. Allele origin: germline.
Comment: This sequence change replaces lysine, which is basic and polar, with arginine, which is basic and polar, at codon 27 of the RTEL1 protein (p.Lys27Arg). In summary, the available evidence is currently insufficient to determine the role of this variant in disease. Therefore, it has been classified as a Variant of Uncertain Significance. Algorithms developed to predict the effect of missense changes on protein structure and function output the following: SIFT: "Tolerated"; PolyPhen-2: "Benign"; Align-GVGD: "Class C0". The arginine amino acid residue is found in multiple mammalian species, which suggests that this missense change does not adversely affect protein function. This variant has not been reported in the literature in individuals affected with RTEL1-related conditions. This variant is present in population databases (no rsID available, gnomAD 0.003%).